The following is an entry in ClinVar:

ClinVar aggregate classification (germline): Uncertain significance (1 of 4 stars; one submission).

Conditions:
TRIM71-related disorder. Also called: TRIM71-related condition.

gnomAD v4.1: 1 of 1,613,332 alleles (0.000062%); highest among the groups gnomAD compares: Non-Finnish European, 0.000085%; no homozygotes.

Submission:

PreventionGenetics, part of Exact Sciences
Classification: Uncertain significance for TRIM71-related condition. Last evaluated: 2024-10-28. Review status: criteria provided, single submitter. Criteria: ACMG Guidelines, 2015. Collection method: clinical testing. Allele origin: germline.
Comment: The TRIM71 c.1998G>T variant is predicted to result in the amino acid substitution p.Arg666Ser. To our knowledge, this variant has not been reported in the literature or in a large population database (gnomAD), indicating this variant is rare. At this time, the clinical significance of this variant is uncertain due to the absence of conclusive functional and genetic evidence.

NM_001039111.3(TRIM71):c.1998G>T (p.Arg666Ser)

Gene: TRIM71 (tripartite motif containing 71; plus strand). Cytogenetic location: 3p22.3.
Variant type: single nucleotide variant.
Coding change: c.1998G>T on transcript NM_001039111.3 (MANE Select); coding-DNA position 1998, G replaced by T.
Protein change: p.Arg666Ser; replaces arginine 666 with serine.
Molecular consequence: missense variant.
Genome position (GRCh38, 1-based): chr3:32,891,202, G>T. VCF-style: chr3-32891202-G-T. GRCh37 (hg19) VCF-style: chr3-32932694-G-T.
Other names: short protein forms R666S.
Identifiers: ClinVar variation 4982823 (VCV004982823.1).